The following is an entry in ClinVar:

NM_003055.3(SLC18A3):c.1510G>A (p.Val504Met)

Genes: CHAT (choline O-acetyltransferase; plus strand), SLC18A3 (solute carrier family 18 member A3; plus strand). Cytogenetic location: 10q11.23.
Variant type: single nucleotide variant.
Coding change: c.1510G>A on transcript NM_003055.3 (MANE Select); coding-DNA position 1510, G replaced by A.
Protein change: p.Val504Met; replaces valine 504 with methionine.
Molecular consequence: missense variant. On other transcripts: intron variant (1).
Genome position (GRCh38, 1-based): chr10:49,612,250, G>A. VCF-style: chr10-49612250-G-A. GRCh37 (hg19) VCF-style: chr10-50820296-G-A.
Other names: c.-69+3051G>A (NM_020984.4); short protein forms V504M.
Identifiers: ClinVar variation 2133513 (VCV002133513.4), dbSNP rs61846640, ClinGen allele CA206621664.

ClinVar aggregate classification (germline): Uncertain significance (1 of 4 stars; one submission).

Submission:

Labcorp Genetics (formerly Invitae), Labcorp
Classification: Uncertain significance. Last evaluated: 2022-08-28. Review status: criteria provided, single submitter. Criteria: Invitae Variant Classification Sherloc (09022015). Collection method: clinical testing. Allele origin: germline.
Comment: In summary, the available evidence is currently insufficient to determine the role of this variant in disease. Therefore, it has been classified as a Variant of Uncertain Significance. This sequence change replaces valine, which is neutral and non-polar, with methionine, which is neutral and non-polar, at codon 504 of the SLC18A3 protein (p.Val504Met). This variant is not present in population databases (gnomAD no frequency). This variant has not been reported in the literature in individuals affected with SLC18A3-related conditions. Algorithms developed to predict the effect of missense changes on protein structure and function output the following: SIFT: "Tolerated"; PolyPhen-2: "Benign"; Align-GVGD: "Class C0". The methionine amino acid residue is found in multiple mammalian species, which suggests that this missense change does not adversely affect protein function.